The following is an entry in ClinVar:

NM_004766.3(COPB2):c.1282T>A (p.Phe428Ile)

Gene: COPB2 (coat protein complex I subunit beta 2; minus strand). Cytogenetic location: 3q23.
Variant type: single nucleotide variant.
Coding change: c.1282T>A on transcript NM_004766.3 (MANE Select); coding-DNA position 1282, T replaced by A.
Protein change: p.Phe428Ile; replaces phenylalanine 428 with isoleucine.
Molecular consequence: missense variant. On other transcripts: non-coding transcript variant (1).
Genome position (GRCh38, 1-based): chr3:139,369,468, A>T on the plus strand (T>A on the coding strand, the complement: COPB2 is on the minus strand). VCF-style: chr3-139369468-A-T. GRCh37 (hg19) VCF-style: chr3-139088310-A-T.
Other names: c.1195T>A, p.Phe399Ile (NM_001410834.1); short protein forms F399I, F428I.
Identifiers: ClinVar variation 2034273 (VCV002034273.4), dbSNP rs2472899468, ClinGen allele CA354754295.

ClinVar aggregate classification (germline): Uncertain significance (1 of 4 stars; one submission).

Submission:

Labcorp Genetics (formerly Invitae), Labcorp
Classification: Uncertain significance. Last evaluated: 2022-10-17. Review status: criteria provided, single submitter. Criteria: Invitae Variant Classification Sherloc (09022015). Collection method: clinical testing. Allele origin: germline.
Comment: In summary, the available evidence is currently insufficient to determine the role of this variant in disease. Therefore, it has been classified as a Variant of Uncertain Significance. Algorithms developed to predict the effect of missense changes on protein structure and function (SIFT, PolyPhen-2, Align-GVGD) all suggest that this variant is likely to be tolerated. This variant has not been reported in the literature in individuals affected with COPB2-related conditions. This variant is not present in population databases (gnomAD no frequency). This sequence change replaces phenylalanine, which is neutral and non-polar, with isoleucine, which is neutral and non-polar, at codon 428 of the COPB2 protein (p.Phe428Ile).